The following is an entry in ClinVar:

ClinVar aggregate classification (germline): Uncertain significance. Review status: criteria provided, multiple submitters, no conflicts (2 of 4 stars). 3 submissions from 3 submitters: Uncertain significance (3). Last evaluated 2024-08-12.

Conditions:
Inborn genetic diseases. Identifiers: MedGen C0950123, MeSH D030342.
Malignant hyperthermia, susceptibility to, 1 (MHS1). Also called: RYR1-Related Malignant Hyperthermia Susceptibility; Anesthesia related hyperthermia; Malignant hyperpyrexia; Fulminating hyperpyrexia; Pharmacogenic myopathy; Malignant hyperthermia suceptibility 1. Identifiers: Orphanet 423, MedGen C2930980, MONDO:0007783, OMIM 145600.

Allele frequency attached by ClinVar (database versions not stated): ExAC 0.00001; gnomAD 0.00001; gnomAD exomes 0.00001; TOPMed 0.00001.
gnomAD v4.1: 9 of 1,612,612 alleles (0.00056%); highest among the groups gnomAD compares: Non-Finnish European, 0.00076%; no homozygotes.

Submissions (3):

Ambry Genetics
Classification: Uncertain significance for Inborn genetic diseases. Last evaluated: 2024-08-12. Review status: criteria provided, single submitter. Criteria: Ambry Variant Classification Scheme 2023. Collection method: clinical testing. Allele origin: germline.

All of Us Research Program, National Institutes of Health
Classification: Uncertain significance for Malignant hyperthermia, susceptibility to, 1. Last evaluated: 2024-07-10. Review status: criteria provided, single submitter. Criteria: ACMG Guidelines, 2015. Collection method: clinical testing. Allele origin: germline. Inheritance: Autosomal dominant inheritance. Observed: 7 variant alleles, 7 heterozygotes.
Comment: This missense variant replaces serine with alanine at codon 3489 of the RYR1 protein. Computational prediction suggests that this variant may not impact protein structure and function (internally defined REVEL score threshold <= 0.5, PMID: 27666373). To our knowledge, functional studies have not been reported for this variant. This variant has not been reported in individuals affected with malignant hyperthermia in the literature. This variant has been identified in 3/282028 chromosomes in the general population by the Genome Aggregation Database (gnomAD). The available evidence is insufficient to determine the role of this variant in disease conclusively. Therefore, this variant is classified as a Variant of Uncertain Significance.

This study involves interpretation of variants in research participants for the purpose of population health screening. Participant phenotype was not available at the time of variant classification. Additional details can be found in publication PMID: 35346344, PMCID: PMC8962531

Color Diagnostics, LLC DBA Color Health
Classification: Uncertain significance for Malignant hyperthermia, susceptibility to, 1. Last evaluated: 2024-06-17. Review status: criteria provided, single submitter. Criteria: ACMG Guidelines, 2015. Collection method: clinical testing. Allele origin: germline.
Comment: This missense variant replaces serine with alanine at codon 3489 of the RYR1 protein. Computational prediction suggests that this variant may not impact protein structure and function. To our knowledge, functional studies have not been reported for this variant. This variant has not been reported in individuals affected with malignant hyperthermia in the literature. This variant has been identified in 3/282028 chromosomes in the general population by the Genome Aggregation Database (gnomAD). The available evidence is insufficient to determine the role of this variant in disease conclusively. Therefore, this variant is classified as a Variant of Uncertain Significance.

NM_000540.3(RYR1):c.10465T>G (p.Ser3489Ala)

Gene: RYR1 (ryanodine receptor 1; plus strand). Cytogenetic location: 19q13.2.
Variant type: single nucleotide variant.
Coding change: c.10465T>G on transcript NM_000540.3 (MANE Select); coding-DNA position 10465, T replaced by G.
Protein change: p.Ser3489Ala; replaces serine 3489 with alanine.
Molecular consequence: missense variant.
Genome position (GRCh38, 1-based): chr19:38,525,341, T>G. VCF-style: chr19-38525341-T-G. GRCh37 (hg19) VCF-style: chr19-39015981-T-G.
Other names: c.10450T>G, p.Ser3484Ala (NM_001042723.2); short protein forms S3484A, S3489A.
Identifiers: ClinVar variation 3069261 (VCV003069261.4), dbSNP rs763135465, ClinGen allele CA053778.